The following is an entry in ClinVar:

NM_172364.5(CACNA2D4):c.*1387G>A

Gene: CACNA2D4 (calcium voltage-gated channel auxiliary subunit alpha2delta 4; minus strand). Cytogenetic location: 12p13.33.
Variant type: single nucleotide variant.
Coding change: c.*1387G>A on transcript NM_172364.5 (MANE Select); 1387 bases downstream of the stop codon, G replaced by A.
Molecular consequence: 3 prime UTR variant.
Genome position (GRCh38, 1-based): chr12:1,792,268, C>T on the plus strand (G>A on the coding strand, the complement: CACNA2D4 is on the minus strand). VCF-style: chr12-1792268-C-T. GRCh37 (hg19) VCF-style: chr12-1901434-C-T.
Identifiers: ClinVar variation 307803 (VCV000307803.6), dbSNP rs13219, ClinGen allele CA10640578.
Genomic context (GRCh38, chr12:1,792,268, plus strand): 5'-CTGCCACTTAAGCTGTCTTCGAGCTGCAGTGTCTTCTGCTGTAAGGGGGCATTAATACTG[C>T]CCTCACAGGGTTGTTGCAAGACATGACGGTAAGAGTGACATTCTGTAACCGATAATGTAA-3'

ClinVar aggregate classification (germline): Benign. Review status: criteria provided, multiple submitters, no conflicts (2 of 4 stars). 2 submissions from 2 submitters: Benign (2). Last evaluated 2018-01-12.

Conditions:
Retinal cone dystrophy 4 (RCD4). Identifiers: Orphanet 1872, MedGen C1864849, MONDO:0012507, OMIM 610478.

Allele frequency attached by ClinVar (database versions not stated): 1000 Genomes Project 30x 0.36743; 1000 Genomes Project 0.37400; TOPMed 0.41407; gnomAD 0.43235 and 0.43554; gnomAD exomes 0.75000.
gnomAD v4.1: 66,435 of 152,188 alleles (44%); highest among the groups gnomAD compares: Non-Finnish European, 56%; 16,613 homozygotes.

Submissions (2):

Illumina Laboratory Services, Illumina
Classification: Benign for Retinal cone dystrophy 4. Last evaluated: 2018-01-12. Review status: criteria provided, single submitter. Criteria: ICSL Variant Classification Criteria 13 December 2019. Collection method: clinical testing. Allele origin: germline.
Comment: This variant was observed in the ICSL laboratory as part of a predisposition screen in an ostensibly healthy population. It had not been previously curated by ICSL or reported in the Human Gene Mutation Database (HGMD: prior to June 1st, 2018), and was therefore a candidate for classification through an automated scoring system. Utilizing variant allele frequency, disease prevalence and penetrance estimates, and inheritance mode, an automated score was calculated to assess if this variant is too frequent to cause the disease. Based on the score and internal cut-off values, a variant classified as benign is not then subjected to further curation. The score for this variant resulted in a classification of benign for this disease.

Breakthrough Genomics
Classification: Benign. Review status: criteria provided, single submitter. Criteria: ACMG Guidelines, 2015. Collection method: not provided. Allele origin: germline. Inheritance: Autosomal recessive inheritance. Affected: yes.